The following is an entry in ClinVar:

ClinVar aggregate classification (germline): Uncertain significance. Review status: criteria provided, multiple submitters, no conflicts (2 of 4 stars). 3 submissions from 3 submitters: Uncertain significance (3). Last evaluated 2025-04-07.

Conditions:
Hereditary nonpolyposis colorectal neoplasms. Identifiers: MedGen C0009405, MeSH D003123.
Hereditary cancer-predisposing syndrome. Also called: Neoplastic Syndromes, Hereditary; Tumor predisposition; Hereditary Cancer Syndrome; Hereditary neoplastic syndrome. Identifiers: Orphanet 140162, MedGen C0027672, MeSH D009386, MONDO:0015356.
Endometrial carcinoma. Also called: Endometrial carcinoma, somatic. Identifiers: MedGen C0476089, MONDO:0002447, OMIM 608089, HP:0012114.

Submissions (3):

Labcorp Genetics (formerly Invitae), Labcorp
Classification: Uncertain significance for Hereditary nonpolyposis colorectal neoplasms. Last evaluated: 2025-04-07. Review status: criteria provided, single submitter. Criteria: Invitae Variant Classification Sherloc (09022015). Collection method: clinical testing. Allele origin: germline.
Comment: This sequence change replaces serine, which is neutral and polar, with asparagine, which is neutral and polar, at codon 285 of the MSH6 protein (p.Ser285Asn). This variant is not present in population databases (gnomAD no frequency). This variant has not been reported in the literature in individuals affected with MSH6-related conditions. ClinVar contains an entry for this variant (Variation ID: 1763818). Invitae Evidence Modeling of protein sequence and biophysical properties (such as structural, functional, and spatial information, amino acid conservation, physicochemical variation, residue mobility, and thermodynamic stability) indicates that this missense variant is not expected to disrupt MSH6 protein function with a negative predictive value of 95%. In summary, the available evidence is currently insufficient to determine the role of this variant in disease. Therefore, it has been classified as a Variant of Uncertain Significance.

Ambry Genetics
Classification: Uncertain significance for Hereditary cancer-predisposing syndrome. Last evaluated: 2024-09-16. Review status: criteria provided, single submitter. Criteria: Ambry Variant Classification Scheme 2023. Collection method: clinical testing. Allele origin: germline.
Comment: The p.S285N variant (also known as c.854G>A), located in coding exon 4 of the MSH6 gene, results from a G to A substitution at nucleotide position 854. The serine at codon 285 is replaced by asparagine, an amino acid with highly similar properties. This variant was reported in 1/60,466 breast cancer cases and in 0/53,461 controls (Dorling et al. N Engl J Med. 2021 02;384:428-439). This amino acid position is not well conserved in available vertebrate species. In addition, this alteration is predicted to be tolerated by in silico analysis. Since supporting evidence is limited at this time, the clinical significance of this alteration remains unclear.

Baylor Genetics
Classification: Uncertain significance for Endometrial carcinoma. Last evaluated: 2024-02-16. Review status: criteria provided, single submitter. Criteria: ACMG Guidelines, 2015. Collection method: clinical testing. Allele origin: unknown.

Literature cited by the submitters: PubMed 33471991 (cited by Ambry Genetics).

NM_000179.3(MSH6):c.854G>A (p.Ser285Asn)

Gene: MSH6 (mutS homolog 6; plus strand). Cytogenetic location: 2p16.3.
Variant type: single nucleotide variant.
Coding change: c.854G>A on transcript NM_000179.3 (MANE Select); coding-DNA position 854, G replaced by A.
Protein change: p.Ser285Asn; replaces serine 285 with asparagine.
Molecular consequence: missense variant. On other transcripts: 5 prime UTR variant (2).
Genome position (GRCh38, 1-based): chr2:47,798,837, G>A. VCF-style: chr2-47798837-G-A. GRCh37 (hg19) VCF-style: chr2-48025976-G-A.
Other names: c.464G>A, p.Ser155Asn (NM_001281492.2); c.-53G>A (NM_001281493.2, NM_001281494.2, NM_001406811.1 and 6 more transcripts); c.950G>A, p.Ser317Asn (NM_001406795.1, NM_001406802.1); c.854G>A, p.Ser285Asn (NM_001406796.1, NM_001406798.1, NM_001406800.1 and 4 more transcripts); c.557G>A, p.Ser186Asn (NM_001406797.1, NM_001406801.1, NM_001406805.1 and 10 more transcripts); c.329G>A, p.Ser110Asn (NM_001406799.1, NM_001406806.1, NM_001406807.1); c.776G>A, p.Ser259Asn (NM_001406804.1); c.860G>A, p.Ser287Asn (NM_001406813.1); and 1 more; short protein forms S110N, S155N, S259N, S285N, S287N, S186N, S229N, S317N.
Identifiers: ClinVar variation 1763818 (VCV001763818.9), dbSNP rs63750878, ClinGen allele CA346740564.